The following is an entry in ClinVar:

ClinVar aggregate classification (germline): Uncertain significance (1 of 4 stars; one submission).

Conditions:
Hyperphosphatasia with impaired intellectual development syndrome 2. Also called: Hyperphosphatasia with intellectual disability syndrome 2; GLYCOSYLPHOSPHATIDYLINOSITOL BIOSYNTHESIS DEFECT 6. Identifiers: Orphanet 247262, MedGen C3553637, MONDO:0013882, OMIM 614749.

Submission:

Labcorp Genetics (formerly Invitae), Labcorp
Classification: Uncertain significance for Hyperphosphatasia with impaired intellectual development syndrome 2. Last evaluated: 2018-01-06. Review status: criteria provided, single submitter. Criteria: Invitae Variant Classification Sherloc (09022015). Collection method: clinical testing. Allele origin: germline.
Comment: In summary, the available evidence is currently insufficient to determine the role of this variant in disease. Therefore, it has been classified as a Variant of Uncertain Significance. Algorithms developed to predict the effect of missense changes on protein structure and function output the following: SIFT: "Tolerated"; PolyPhen-2: "Benign"; Align-GVGD: "Class C0". The aspartic acid amino acid residue is found in multiple mammalian species, suggesting that this missense change does not adversely affect protein function. These predictions have not been confirmed by published functional studies and their clinical significance is uncertain. This variant has not been reported in the literature in individuals with PIGO-related disease. This variant is not present in population databases (ExAC no frequency). This sequence change replaces glutamic acid with aspartic acid at codon 314 of the PIGO protein (p.Glu314Asp). The glutamic acid residue is moderately conserved and there is a small physicochemical difference between glutamic acid and aspartic acid.

NM_032634.4(PIGO):c.942G>T (p.Glu314Asp)

Gene: PIGO (phosphatidylinositol glycan anchor biosynthesis class O; minus strand). Cytogenetic location: 9p13.3.
Variant type: single nucleotide variant.
Coding change: c.942G>T on transcript NM_032634.4 (MANE Select); coding-DNA position 942, G replaced by T.
Protein change: p.Glu314Asp; replaces glutamic acid 314 with aspartic acid.
Molecular consequence: missense variant.
Genome position (GRCh38, 1-based): chr9:35,093,207, C>A on the plus strand (G>T on the coding strand, the complement: PIGO is on the minus strand). VCF-style: chr9-35093207-C-A. GRCh37 (hg19) VCF-style: chr9-35093204-C-A.
Other names: c.942G>T, p.Glu314Asp (NM_001201484.2, NM_152850.4); short protein forms E314D.
Identifiers: ClinVar variation 565754 (VCV000565754.8), dbSNP rs764488316, ClinGen allele CA373323147.